The following is an entry in ClinVar:

ClinVar aggregate classification (germline): Uncertain significance (1 of 4 stars; one submission).

Submission:

GeneDx
Classification: Uncertain significance. Last evaluated: 2024-02-14. Review status: criteria provided, single submitter. Criteria: GeneDx Variant Classification Process June 2021. Collection method: clinical testing. Allele origin: germline. Affected: yes.
Comment: Not observed at significant frequency in large population cohorts (gnomAD); In silico analysis supports that this missense variant does not alter protein structure/function; Has not been previously published as pathogenic or benign to our knowledge

NM_001042492.3(NF1):c.1351G>A (p.Val451Met)

Gene: NF1 (neurofibromin 1; plus strand). Cytogenetic location: 17q11.2.
Variant type: single nucleotide variant.
Coding change: c.1351G>A on transcript NM_001042492.3 (MANE Select); coding-DNA position 1351, G replaced by A.
Protein change: p.Val451Met; replaces valine 451 with methionine.
Molecular consequence: missense variant.
Genome position (GRCh38, 1-based): chr17:31,206,330, G>A. VCF-style: chr17-31206330-G-A. GRCh37 (hg19) VCF-style: chr17-29533348-G-A.
Other names: c.1351G>A, p.Val451Met (NM_000267.4, NM_001128147.3); short protein forms V451M.
Identifiers: ClinVar variation 1723838 (VCV001723838.3), dbSNP rs2143914884, ClinGen allele CA398999631.